The following is an entry in ClinVar:

ClinVar aggregate classification (germline): Uncertain significance (1 of 4 stars; one submission).

Conditions:
Hereditary pancreatitis (PCTT). Also called: Hereditary chronic pancreatitis; PRSS1-Related Hereditary Pancreatitis. Identifiers: Orphanet 676, MedGen C0238339, MONDO:0008185, OMIM 167800.

gnomAD v4.1: 2 of 1,614,208 alleles (0.00012%); highest among the groups gnomAD compares: Non-Finnish European, 0.00017%; no homozygotes.

Submission:

Ambry Genetics
Classification: Uncertain significance for Hereditary pancreatitis. Last evaluated: 2024-03-01. Review status: criteria provided, single submitter. Criteria: Ambry Variant Classification Scheme 2023. Collection method: clinical testing. Allele origin: germline.
Comment: The p.N254K variant (also known as c.762C>A), located in coding exon 7 of the CPA1 gene, results from a C to A substitution at nucleotide position 762. The asparagine at codon 254 is replaced by lysine, an amino acid with similar properties. This amino acid position is conserved. In addition, this alteration is predicted to be tolerated by in silico analysis. Based on the available evidence, the clinical significance of this alteration remains unclear.

NM_001868.4(CPA1):c.762C>A (p.Asn254Lys)

Gene: CPA1 (carboxypeptidase A1; plus strand). Cytogenetic location: 7q32.2.
Variant type: single nucleotide variant.
Coding change: c.762C>A on transcript NM_001868.4 (MANE Select); coding-DNA position 762, C replaced by A.
Protein change: p.Asn254Lys; replaces asparagine 254 with lysine.
Molecular consequence: missense variant.
Genome position (GRCh38, 1-based): chr7:130,384,601, C>A. VCF-style: chr7-130384601-C-A. GRCh37 (hg19) VCF-style: chr7-130024442-C-A.
Other names: short protein forms N254K.
Identifiers: ClinVar variation 3221848 (VCV003221848.1), dbSNP rs1554411739, ClinGen allele CA369283015.